The following is an entry in ClinVar:

NM_004006.3(DMD):c.5468C>A (p.Thr1823Asn)

Gene: DMD (dystrophin; minus strand). Cytogenetic location: Xp21.1.
Variant type: single nucleotide variant.
Coding change: c.5468C>A on transcript NM_004006.3 (MANE Select); coding-DNA position 5468, C replaced by A.
Protein change: p.Thr1823Asn; replaces threonine 1823 with asparagine.
Molecular consequence: missense variant.
Genome position (GRCh38, 1-based): chrX:32,346,061, G>T on the plus strand (C>A on the coding strand, the complement: DMD is on the minus strand). VCF-style: chrX-32346061-G-T. GRCh37 (hg19) VCF-style: chrX-32364178-G-T.
Other names: c.5444C>A, p.Thr1815Asn (NM_000109.4); c.5456C>A, p.Thr1819Asn (NM_004009.3); c.5099C>A, p.Thr1700Asn (NM_004010.3); c.1445C>A, p.Thr482Asn (NM_004011.4); c.1436C>A, p.Thr479Asn (NM_004012.4); short protein forms T1700N, T1819N, T1823N, T479N, T1815N, T482N.
Identifiers: ClinVar variation 860248 (VCV000860248.7), dbSNP rs1465595838, ClinGen allele CA412667471.

ClinVar aggregate classification (germline): Uncertain significance (1 of 4 stars; one submission).

Conditions:
Duchenne muscular dystrophy (DMD). Also called: Duchenne Muscular Dystrophy (DMD); MUSCULAR DYSTROPHY, PSEUDOHYPERTROPHIC PROGRESSIVE, DUCHENNE TYPE. Identifiers: Orphanet 98896, MedGen C0013264, MONDO:0010679, OMIM 310200.

Submission:

Labcorp Genetics (formerly Invitae), Labcorp
Classification: Uncertain significance for Duchenne muscular dystrophy. Last evaluated: 2024-09-21. Review status: criteria provided, single submitter. Criteria: Invitae Variant Classification Sherloc (09022015). Collection method: clinical testing. Allele origin: germline.
Comment: This sequence change replaces threonine, which is neutral and polar, with asparagine, which is neutral and polar, at codon 1823 of the DMD protein (p.Thr1823Asn). This variant is not present in population databases (gnomAD no frequency). This variant has not been reported in the literature in individuals affected with DMD-related conditions. ClinVar contains an entry for this variant (Variation ID: 860248). Invitae Evidence Modeling of protein sequence and biophysical properties (such as structural, functional, and spatial information, amino acid conservation, physicochemical variation, residue mobility, and thermodynamic stability) indicates that this missense variant is not expected to disrupt DMD protein function with a negative predictive value of 95%. In summary, the available evidence is currently insufficient to determine the role of this variant in disease. Therefore, it has been classified as a Variant of Uncertain Significance.